The following is an entry in ClinVar:

NM_000517.4:c.[-2_-3delAC;-alpha3.7]

Variant type: Haplotype.
Identifiers: ClinVar variation 375750 (VCV000375750.2).

ClinVar aggregate classification (germline): Pathogenic (0 of 4 stars; one submission).

Conditions:
alpha Thalassemia. Also called: Alpha thalassemia spectrum. Identifiers: Orphanet 846, MedGen C0002312, MONDO:0011399, OMIM 604131.

Submission:

GeneReviews
Classification: Pathogenic for alpha Thalassemia. Last evaluated: 2016-12-29. Review status: no assertion criteria provided. Collection method: literature only. Allele origin: germline.
Comment: Deletion of HBA2 and of nucleotides that additionally impair translation of the remaining HBA1.

Literature cited by the submitters: PubMed 12890155.